The following is an entry in ClinVar:

ClinVar aggregate classification (germline): Benign (1 of 4 stars; one submission).

Allele frequency attached by ClinVar (database versions not stated): TOPMed 0.14755; 1000 Genomes Project 30x 0.18254; 1000 Genomes Project 0.18371.
gnomAD v4.1: 21,433 of 152,160 alleles (14%); highest among the groups gnomAD compares: East Asian, 31%; 2,091 homozygotes.

Submission:

GeneDx
Classification: Benign. Last evaluated: 2018-06-19. Review status: criteria provided, single submitter. Criteria: GeneDx Variant Classification (06012015). Collection method: clinical testing. Allele origin: germline. Affected: yes.
Comment: This variant is considered likely benign or benign based on one or more of the following criteria: it is a conservative change, it occurs at a poorly conserved position in the protein, it is predicted to be benign by multiple in silico algorithms, and/or has population frequency not consistent with disease.

NM_058246.4(DNAJB6):c.175+278G>C

Gene: DNAJB6 (DnaJ heat shock protein family (Hsp40) member B6; plus strand). Cytogenetic location: 7q36.3.
Variant type: single nucleotide variant.
Coding change: c.175+278G>C on transcript NM_058246.4 (MANE Select); 278 bases into the intron after coding-DNA position 175, G replaced by C.
Molecular consequence: intron variant.
Genome position (GRCh38, 1-based): chr7:157,363,548, G>C. VCF-style: chr7-157363548-G-C. GRCh37 (hg19) VCF-style: chr7-157156242-G-C.
Other names: c.175+278G>C (NM_001363676.1, NM_005494.3).
Identifiers: ClinVar variation 671726 (VCV000671726.1), dbSNP rs6970306, ClinGen allele CA16321349.